The following is an entry in ClinVar:

NM_001330311.2(DVL1):c.857G>A (p.Gly286Asp)

Gene: DVL1 (dishevelled segment polarity protein 1; minus strand). Cytogenetic location: 1p36.33.
Variant type: single nucleotide variant.
Coding change: c.857G>A on transcript NM_001330311.2 (MANE Select); coding-DNA position 857, G replaced by A.
Protein change: p.Gly286Asp; replaces glycine 286 with aspartic acid.
Molecular consequence: missense variant.
Genome position (GRCh38, 1-based): chr1:1,340,090, C>T on the plus strand (G>A on the coding strand, the complement: DVL1 is on the minus strand). VCF-style: chr1-1340090-C-T. GRCh37 (hg19) VCF-style: chr1-1275470-C-T.
Other names: c.857G>A, p.Gly286Asp (NM_004421.3); short protein forms G286D.
Identifiers: ClinVar variation 1912435 (VCV001912435.5), dbSNP rs376597258, ClinGen allele CA520384.

ClinVar aggregate classification (germline): Uncertain significance (1 of 4 stars; one submission).

Allele frequency attached by ClinVar (database versions not stated): gnomAD 0.00001; TOPMed 0.00001; ExAC 0.00006; ESP Exome Variant Server 0.00008.

Submission:

Labcorp Genetics (formerly Invitae), Labcorp
Classification: Uncertain significance. Last evaluated: 2024-10-22. Review status: criteria provided, single submitter. Criteria: Invitae Variant Classification Sherloc (09022015). Collection method: clinical testing. Allele origin: germline.
Comment: This sequence change replaces glycine, which is neutral and non-polar, with aspartic acid, which is acidic and polar, at codon 286 of the DVL1 protein (p.Gly286Asp). This variant is present in population databases (rs376597258, gnomAD 0.03%). This variant has not been reported in the literature in individuals affected with DVL1-related conditions. ClinVar contains an entry for this variant (Variation ID: 1912435). Invitae Evidence Modeling of protein sequence and biophysical properties (such as structural, functional, and spatial information, amino acid conservation, physicochemical variation, residue mobility, and thermodynamic stability) indicates that this missense variant is expected to disrupt DVL1 protein function with a positive predictive value of 80%. In summary, the available evidence is currently insufficient to determine the role of this variant in disease. Therefore, it has been classified as a Variant of Uncertain Significance.